The following is an entry in ClinVar:

ClinVar aggregate classification (germline): Conflicting classifications of pathogenicity. Review status: criteria provided, conflicting classifications (1 of 4 stars). 3 submissions from 3 submitters: Uncertain significance (1); Likely benign (2). Last evaluated 2024-10-04.

Conditions:
Familial cancer of breast. Also called: hereditary breast carcinoma; Hereditary breast cancer; BREAST CANCER, FAMILIAL. Identifiers: Orphanet 227535, MedGen C0346153, MONDO:0016419, OMIM 114480. Disease mechanism: loss of function.
Hereditary cancer-predisposing syndrome. Also called: Tumor predisposition; Hereditary neoplastic syndrome; Neoplastic Syndromes, Hereditary; Hereditary Cancer Syndrome. Identifiers: Orphanet 140162, MedGen C0027672, MeSH D009386, MONDO:0015356.

Submissions (3):

Myriad Genetics, Inc.
Classification: Likely benign for Familial cancer of breast. Last evaluated: 2024-10-04. Review status: criteria provided, single submitter. Criteria: Myriad Autosomal Dominant, Autosomal Recessive and X-Linked Classification Criteria (2023). Collection method: clinical testing. Allele origin: unknown.
Comment: This variant is considered likely benign. This variant is intronic and is not expected to impact mRNA splicing.

Ambry Genetics
Classification: Uncertain significance for Hereditary cancer-predisposing syndrome. Last evaluated: 2024-07-29. Review status: criteria provided, single submitter. Criteria: Ambry Variant Classification Scheme 2023. Collection method: clinical testing. Allele origin: germline.
Comment: The c.1009-5T>C intronic variant results from a T to C substitution 5 nucleotides upstream from coding exon 9 in the CHEK2 gene. This nucleotide position is well conserved in available vertebrate species. In silico splice site analysis for this alteration is inconclusive. Based on the available evidence, the clinical significance of this variant remains unclear.

Labcorp Genetics (formerly Invitae), Labcorp
Classification: Likely benign for Familial cancer of breast. Last evaluated: 2023-07-17. Review status: criteria provided, single submitter. Criteria: Invitae Variant Classification Sherloc (09022015). Collection method: clinical testing. Allele origin: germline.

NM_007194.4(CHEK2):c.1009-5T>C

Gene: CHEK2 (checkpoint kinase 2; minus strand). Cytogenetic location: 22q12.1.
Variant type: single nucleotide variant.
Coding change: c.1009-5T>C on transcript NM_007194.4 (MANE Select); 5 bases into the intron before coding-DNA position 1009, T replaced by C.
Molecular consequence: intron variant.
Genome position (GRCh38, 1-based): chr22:28,696,992, A>G on the plus strand (T>C on the coding strand, the complement: CHEK2 is on the minus strand). VCF-style: chr22-28696992-A-G. GRCh37 (hg19) VCF-style: chr22-29092980-A-G.
Other names: c.346-5T>C (NM_001437942.1, NM_001257387.3); c.808-5T>C (NM_001349956.3); c.1009-1119T>C (NM_145862.3); c.1102-1119T>C (NM_001438295.1); c.1102-5T>C (NM_001438293.1); c.1138-1119T>C (NM_001438294.1); c.1138-5T>C (NM_001005735.3).
Identifiers: ClinVar variation 2199945 (VCV002199945.6), dbSNP rs1555914393, ClinGen allele CA2580099578.